The following is an entry in ClinVar:

NM_000388.4(CASR):c.399G>C (p.Glu133Asp)

Gene: CASR (calcium sensing receptor; plus strand). Cytogenetic location: 3q21.1.
Variant type: single nucleotide variant.
Coding change: c.399G>C on transcript NM_000388.4 (MANE Select); coding-DNA position 399, G replaced by C.
Protein change: p.Glu133Asp; replaces glutamic acid 133 with aspartic acid.
Molecular consequence: missense variant.
Genome position (GRCh38, 1-based): chr3:122,257,294, G>C. VCF-style: chr3-122257294-G-C. GRCh37 (hg19) VCF-style: chr3-121976141-G-C.
Other names: c.399G>C, p.Glu133Asp (NM_001178065.2); short protein forms E133D.
Identifiers: ClinVar variation 2084179 (VCV002084179.4), dbSNP rs2074565559, ClinGen allele CA354362820.

ClinVar aggregate classification (germline): Uncertain significance (1 of 4 stars; one submission).

Conditions:
Familial hypocalciuric hypercalcemia (FHH). Also called: Familial benign hypercalcemia. Identifiers: Orphanet 405, MedGen C1809471, MONDO:0018458.
Autosomal dominant hypocalcemia 1 (HYPOC1). Also called: HYPOCALCEMIA, FAMILIAL. Identifiers: MedGen C3715128, MONDO:0011013, OMIM 601198.

Submission:

Labcorp Genetics (formerly Invitae), Labcorp
Classification: Uncertain significance for Familial hypocalciuric hypercalcemia; Autosomal dominant hypocalcemia 1. Last evaluated: 2022-01-15. Review status: criteria provided, single submitter. Criteria: Invitae Variant Classification Sherloc (09022015). Collection method: clinical testing. Allele origin: germline.
Comment: In summary, the available evidence is currently insufficient to determine the role of this variant in disease. Therefore, it has been classified as a Variant of Uncertain Significance. Algorithms developed to predict the effect of missense changes on protein structure and function (SIFT, PolyPhen-2, Align-GVGD) all suggest that this variant is likely to be tolerated. This variant has not been reported in the literature in individuals affected with CASR-related conditions. This variant is not present in population databases (gnomAD no frequency). This sequence change replaces glutamic acid, which is acidic and polar, with aspartic acid, which is acidic and polar, at codon 133 of the CASR protein (p.Glu133Asp).